The following is an entry in ClinVar:

NM_000533.5(PLP1):c.670C>T (p.Leu224Phe)

Genes: RAB9B (RAB9B, member RAS oncogene family; minus strand), PLP1 (proteolipid protein 1; plus strand). Cytogenetic location: Xq22.2.
Variant type: single nucleotide variant.
Coding change: c.670C>T on transcript NM_000533.5 (MANE Select); coding-DNA position 670, C replaced by T.
Protein change: p.Leu224Phe; replaces leucine 224 with phenylalanine.
Molecular consequence: missense variant.
Genome position (GRCh38, 1-based): chrX:103,788,484, C>T. VCF-style: chrX-103788484-C-T. GRCh37 (hg19) VCF-style: chrX-103043413-C-T.
Other names: c.670C>T, p.Leu224Phe (NM_001128834.3); c.505C>T, p.Leu169Phe (NM_001305004.1); c.565C>T, p.Leu189Phe (NM_199478.3); short protein forms L169F, L189F, L224F.
Identifiers: ClinVar variation 2138677 (VCV002138677.4), dbSNP rs2074517785, ClinGen allele CA414104367.

ClinVar aggregate classification (germline): Pathogenic (1 of 4 stars; one submission).

Conditions:
Hereditary spastic paraplegia 2 (SPG2). Also called: SPASTIC PARAPLEGIA 2, X-LINKED; Spastic Paraplegia 2 (SPG2). Identifiers: Orphanet 99015, MedGen C0751604, MONDO:0010733, OMIM 312920.

Submission:

Labcorp Genetics (formerly Invitae), Labcorp
Classification: Pathogenic for Hereditary spastic paraplegia 2. Last evaluated: 2022-10-13. Review status: criteria provided, single submitter. Criteria: Invitae Variant Classification Sherloc (09022015). Collection method: clinical testing. Allele origin: germline.
Comment: Advanced modeling of protein sequence and biophysical properties (such as structural, functional, and spatial information, amino acid conservation, physicochemical variation, residue mobility, and thermodynamic stability) performed at Invitae indicates that this missense variant is not expected to disrupt PLP1 protein function. For these reasons, this variant has been classified as Pathogenic. This variant disrupts the p.Leu224 amino acid residue in PLP1. Other variant(s) that disrupt this residue have been observed in individuals with PLP1-related conditions (PMID: 1384324, 9934976), which suggests that this may be a clinically significant amino acid residue. This missense change has been observed in individual(s) with Pelizaeus-Merzbacher disease (PMID: 23347225, 26786043; Invitae). In at least one individual the variant was observed to be de novo. This variant is not present in population databases (gnomAD no frequency). This sequence change replaces leucine, which is neutral and non-polar, with phenylalanine, which is neutral and non-polar, at codon 224 of the PLP1 protein (p.Leu224Phe).

Literature cited by the submitters: PubMed 1384324; PubMed 9934976; PubMed 23347225; PubMed 26786043.